The following is an entry in ClinVar:

ClinVar aggregate classification (germline): Uncertain significance (1 of 4 stars; one submission).

Conditions:
T-cell immunodeficiency, congenital alopecia, and nail dystrophy. Also called: Congenital alopecia and nail dystrophy associated with severe functional T-cell immunodeficiency; Pignata Guarino syndrome. Identifiers: Orphanet 169095, MedGen C1866426, MONDO:0011132, OMIM 601705.

Allele frequency attached by ClinVar (database versions not stated): gnomAD exomes below 0.00001; ExAC 0.00001.
gnomAD v4.1: 1 of 1,613,122 alleles (0.000062%); highest among the groups gnomAD compares: Admixed American, 0.0017%; no homozygotes.

Submission:

Labcorp Genetics (formerly Invitae), Labcorp
Classification: Uncertain significance for T-cell immunodeficiency, congenital alopecia, and nail dystrophy. Last evaluated: 2021-12-29. Review status: criteria provided, single submitter. Criteria: Invitae Variant Classification Sherloc (09022015). Collection method: clinical testing. Allele origin: germline.
Comment: In summary, the available evidence is currently insufficient to determine the role of this variant in disease. Therefore, it has been classified as a Variant of Uncertain Significance. Algorithms developed to predict the effect of missense changes on protein structure and function (SIFT, PolyPhen-2, Align-GVGD) all suggest that this variant is likely to be tolerated. This variant has not been reported in the literature in individuals affected with FOXN1-related conditions. This variant is present in population databases (rs753403074, gnomAD 0.003%). This sequence change replaces phenylalanine, which is neutral and non-polar, with leucine, which is neutral and non-polar, at codon 541 of the FOXN1 protein (p.Phe541Leu).

NM_001369369.1(FOXN1):c.1621T>C (p.Phe541Leu)

Gene: FOXN1 (forkhead box N1; plus strand). Cytogenetic location: 17q11.2.
Variant type: single nucleotide variant.
Coding change: c.1621T>C on transcript NM_001369369.1 (MANE Select); coding-DNA position 1621, T replaced by C.
Protein change: p.Phe541Leu; replaces phenylalanine 541 with leucine.
Molecular consequence: missense variant.
Genome position (GRCh38, 1-based): chr17:28,535,192, T>C. VCF-style: chr17-28535192-T-C. GRCh37 (hg19) VCF-style: chr17-26862210-T-C.
Other names: c.1621T>C, p.Phe541Leu (NM_003593.3); short protein forms F541L.
Identifiers: ClinVar variation 2065958 (VCV002065958.4), dbSNP rs753403074, ClinGen allele CA8459568.